The following is an entry in ClinVar:

NM_000051.4(ATM):c.6573-16_6573-15del

Genes: ATM (ATM serine/threonine kinase; plus strand), C11orf65 (chromosome 11 open reading frame 65; minus strand). Cytogenetic location: 11q22.3.
Variant type: Deletion.
Coding change: c.6573-16_6573-15del on transcript NM_000051.4 (MANE Select); 16 bases into the intron before coding-DNA position 6573 through 15 bases into the intron before coding-DNA position 6573, 2 bases deleted (AT; older notation c.6573-16_6573-15delAT).
Molecular consequence: intron variant.
Genome position (GRCh38, 1-based): chr11:108,325,294-108,325,295, AT deleted; deleting any 2 consecutive bases within chr11:108,325,293-108,325,295 gives the same sequence; the c. name uses the placement nearest the transcript's 3' end. VCF-style (leftmost placement, unchanged base first): chr11-108325292-CTA-C. GRCh37 (hg19) VCF-style: chr11-108196019-CTA-C.
Other names: c.6573-16_6573-15delAT (NM_000051.3); c.6573-16_6573-15del (NM_001351834.2); c.641-16223_641-16222del (NM_001330368.2); c.*38+9926_*38+9927del (NM_001351110.2).
Identifiers: ClinVar variation 420210 (VCV000420210.12), dbSNP rs1064794351, ClinGen allele CA16619217.

ClinVar aggregate classification (germline): Likely benign. Review status: criteria provided, multiple submitters, no conflicts (2 of 4 stars). 3 submissions from 3 submitters: Likely benign (3). Last evaluated 2026-01-17.

Conditions:
Hereditary cancer-predisposing syndrome. Also called: Neoplastic Syndromes, Hereditary; Hereditary Cancer Syndrome; Tumor predisposition; Hereditary neoplastic syndrome. Identifiers: Orphanet 140162, MedGen C0027672, MeSH D009386, MONDO:0015356.
Ataxia-telangiectasia syndrome (AT). Also called: LOUIS-BAR SYNDROME; Cerebello-oculocutaneous telangiectasia; Immunodeficiency with ataxia telangiectasia; Ataxia-telangiectasia, complementation group D; AT, COMPLEMENTATION GROUP C; Ataxia-telangiectasia, complementation group E. Identifiers: Orphanet 100, MedGen C0004135, MONDO:0008840, OMIM 208900.

Submissions (3):

Labcorp Genetics (formerly Invitae), Labcorp
Classification: Likely benign for Ataxia-telangiectasia syndrome. Last evaluated: 2026-01-17. Review status: criteria provided, single submitter. Criteria: Invitae Variant Classification Sherloc (09022015). Collection method: clinical testing. Allele origin: germline.

Color Diagnostics, LLC DBA Color Health
Classification: Likely benign for Hereditary cancer-predisposing syndrome. Last evaluated: 2019-05-08. Review status: criteria provided, single submitter. Criteria: ACMG Guidelines, 2015. Collection method: clinical testing. Allele origin: germline.

GeneDx
Classification: Likely benign. Last evaluated: 2015-11-25. Review status: criteria provided, single submitter. Criteria: GeneDx Variant Classification (06012015). Collection method: clinical testing. Allele origin: germline. Affected: yes.
Comment: This variant is considered likely benign or benign based on one or more of the following criteria: it is a conservative change, it occurs at a poorly conserved position in the protein, it is predicted to be benign by multiple in silico algorithms, and/or has population frequency not consistent with disease.